The following is an entry in ClinVar:

ClinVar aggregate classification (germline): Likely pathogenic (1 of 4 stars; one submission).

Conditions:
Leukodystrophy, hypomyelinating, 9. Identifiers: Orphanet 438114, MedGen C4015323, MONDO:0014506, OMIM 616140.

Submission:

Juno Genomics, Hangzhou Juno Genomics, Inc
Classification: Likely pathogenic for Leukodystrophy, hypomyelinating, 9. Review status: criteria provided, single submitter. Criteria: ACMG Guidelines, 2015. Collection method: clinical testing. Allele origin: germline.
Comment: Absent from controls (or at extremely low frequency if recessive) in Genome Aggregation Database.;Null variant in a gene where loss of function (LOF) is a known mechanism of disease.

NM_002887.4(RARS1):c.127C>T (p.Gln43Ter)

Gene: RARS1 (arginyl-tRNA synthetase 1; plus strand). Cytogenetic location: 5q34.
Variant type: single nucleotide variant.
Coding change: c.127C>T on transcript NM_002887.4 (MANE Select); coding-DNA position 127, C replaced by T.
Protein change: p.Gln43Ter; replaces glutamine 43 with a stop codon.
Molecular consequence: nonsense.
Genome position (GRCh38, 1-based): chr5:168,488,683, C>T. VCF-style: chr5-168488683-C-T. GRCh37 (hg19) VCF-style: chr5-167915688-C-T.
Other names: short protein forms Q43*.
Identifiers: ClinVar variation 5018802 (VCV005018802.2).